The following is an entry in ClinVar:

ClinVar aggregate classification (germline): Conflicting classifications of pathogenicity. Review status: criteria provided, conflicting classifications (1 of 4 stars). 16 submissions from 16 submitters: Uncertain significance (1); Benign (2); Likely benign (9). 4 of the submissions do not count toward it. Last evaluated 2026-01-28.

Conditions:
FANCD2-related disorder. Also called: FANCD2-related condition.
Hereditary breast ovarian cancer syndrome. Also called: Hereditary breast and ovarian cancer; Hereditary breast and ovarian cancer syndrome (HBOC); Breast and ovarian cancer; BRCA1- and BRCA2-Associated Hereditary Breast and Ovarian Cancer; Hereditary breast and/or ovarian cancer syndrome; Hereditary breast and ovarian cancer syndrome. Identifiers: Orphanet 145, MedGen C0677776, MeSH D061325, MONDO:0003582. Disease mechanism: loss of function.
Fanconi anemia complementation group D2. Also called: FANCD2-Related Fanconi Anemia; FANCONI PANCYTOPENIA, TYPE 4; FANCONI ANEMIA, COMPLEMENTATION GROUP D. Identifiers: Orphanet 84, MedGen C3160738, MONDO:0009214, OMIM 227646.
Fanconi anemia (FA). Also called: Fanconi's anemia. Identifiers: Orphanet 84, MedGen C0015625, MeSH D005199, MONDO:0019391.
Fanconi anemia complementation group A (FANCA). Also called: Fanconi anemia, group A; FANCA-Related Fanconi Anemia. Identifiers: Orphanet 84, MedGen C3469521, MONDO:0009215, OMIM 227650.

Submissions (16):

Labcorp Genetics (formerly Invitae), Labcorp
Classification: Likely benign for Fanconi anemia. Last evaluated: 2026-01-28. Review status: criteria provided, single submitter. Criteria: Invitae Variant Classification Sherloc (09022015). Collection method: clinical testing. Allele origin: germline.

PreventionGenetics, part of Exact Sciences
Classification: Likely benign for FANCD2-related condition. Last evaluated: 2026-01-13. Review status: criteria provided, single submitter. Criteria: ACMG Guidelines, 2015. Collection method: clinical testing. Allele origin: germline.
Comment: This variant is classified as likely benign based on ACMG/AMP sequence variant interpretation guidelines (Richards et al. 2015 PMID: 25741868, with internal and published modifications).

Laboratory of Genetics, Children's Clinical University Hospital Latvia
Classification: Likely benign. Last evaluated: 2025-02-16. Review status: criteria provided, single submitter. Criteria: ACMG Guidelines, 2015. Collection method: clinical testing. Allele origin: germline. Affected: yes.

Blueprint Genetics
Classification: Likely benign. Last evaluated: 2024-11-26. Review status: criteria provided, single submitter. Criteria: ACMG Guidelines, 2015. Collection method: clinical testing. Allele origin: germline.

National Health Laboratory Service, Universitas Academic Hospital and University of the Free State
Classification: Benign for Hereditary breast ovarian cancer syndrome. Last evaluated: 2022-04-19. Review status: criteria provided, single submitter. Criteria: ACMG Guidelines, 2015. Collection method: clinical testing. Allele origin: germline. Affected: yes. Observed: 137 variant alleles.

Institute for Clinical Genetics, University Hospital TU Dresden, University Hospital TU Dresden
Classification: Uncertain significance. Last evaluated: 2021-11-03. Review status: criteria provided, single submitter. Criteria: ACMG Guidelines, 2015. Collection method: clinical testing. Allele origin: germline.

Sema4
Classification: Likely benign for Fanconi anemia. Last evaluated: 2021-02-11. Review status: criteria provided, single submitter. Criteria: Sema4 Curation Guidelines. Collection method: curation. Allele origin: germline.

Dubai Health Genomic Medicine Center, Dubai Health
Classification: Likely benign. Last evaluated: 2020-03-19. Review status: criteria provided, single submitter. Criteria: ACMG Guidelines, 2015. Collection method: clinical testing. Allele origin: germline. Affected: yes.

Mendelics
Classification: Likely benign for Fanconi anemia complementation group A. Last evaluated: 2019-05-28. Review status: criteria provided, single submitter. Criteria: Mendelics Assertion Criteria 2017. Collection method: clinical testing. Allele origin: unknown.

Illumina Laboratory Services, Illumina
Classification: Likely benign for Fanconi anemia complementation group D2. Last evaluated: 2018-01-12. Review status: criteria provided, single submitter. Criteria: ICSL Variant Classification Criteria 13 December 2019. Collection method: clinical testing. Allele origin: germline.
Comment: This variant was observed in the ICSL laboratory as part of a predisposition screen in an ostensibly healthy population. It had not been previously curated by ICSL or reported in the Human Gene Mutation Database (HGMD: prior to June 1st, 2018), and was therefore a candidate for classification through an automated scoring system. Utilizing variant allele frequency, disease prevalence and penetrance estimates, and inheritance mode, an automated score was calculated to assess if this variant is too frequent to cause the disease. Based on the score and internal cut-off values, a variant classified as likely benign is not then subjected to further curation. The score for this variant resulted in a classification of likely benign for this disease.

ARUP Laboratories, Molecular Genetics and Genomics, ARUP Laboratories
Classification: Benign. Last evaluated: 2016-08-08. Review status: criteria provided, single submitter. Criteria: ARUP Molecular Germline Variant Investigation Process. Collection method: clinical testing. Allele origin: germline.

Genomic Diagnostic Laboratory, Division of Genomic Diagnostics, Children's Hospital of Philadelphia
Classification: Likely benign. Last evaluated: 2015-10-11. Review status: criteria provided, single submitter. Criteria: DGD Variant Analysis Guidelines. Collection method: clinical testing. Allele origin: unknown.

Clinical Genetics DNA and cytogenetics Diagnostics Lab, Erasmus MC, Erasmus Medical Center
Classification: Likely benign. Review status: no assertion criteria provided. Collection method: clinical testing. Allele origin: germline. Affected: yes. Study: VKGL Data-share Consensus. Not counted in ClinVar's aggregate classification.

Department of Pathology and Laboratory Medicine, Sinai Health System
Classification: Uncertain significance. Review status: no assertion criteria provided. Collection method: clinical testing. Allele origin: unknown. Affected: yes. Study: The Canadian Open Genetics Repository (COGR). Not counted in ClinVar's aggregate classification.

Genome Diagnostics Laboratory, Amsterdam University Medical Center
Classification: Likely benign. Review status: no assertion criteria provided. Collection method: clinical testing. Allele origin: germline. Affected: yes. Study: VKGL Data-share Consensus. Not counted in ClinVar's aggregate classification.

Laboratory of Diagnostic Genome Analysis, Leiden University Medical Center (LUMC)
Classification: Likely benign. Review status: no assertion criteria provided. Collection method: clinical testing. Allele origin: germline. Affected: yes. Study: VKGL Data-share Consensus. Not counted in ClinVar's aggregate classification.

NM_001018115.3(FANCD2):c.2022-5C>T

Genes: FANCD2 (FA complementation group D2; plus strand), LOC107303338 (3p25 FANCD2 Alu-mediated recombination region; plus strand). Cytogenetic location: 3p25.3.
Variant type: single nucleotide variant.
Coding change: c.2022-5C>T on transcript NM_001018115.3 (MANE Select); 5 bases into the intron before coding-DNA position 2022, C replaced by T.
Molecular consequence: intron variant.
Genome position (GRCh38, 1-based): chr3:10,064,724, C>T. VCF-style: chr3-10064724-C-T. GRCh37 (hg19) VCF-style: chr3-10106408-C-T.
Other names: c.2022-5C>T (NM_001319984.2, NM_033084.6, NM_001374254.1 and 1 more transcripts); c.1911-5C>T (NM_001374253.1).
Identifiers: ClinVar variation 218824 (VCV000218824.34), dbSNP rs4019784, ClinGen allele CA249053.